The following is an entry in ClinVar:

NM_017433.5(MYO3A):c.804G>C (p.Leu268Phe)

Gene: MYO3A (myosin IIIA; plus strand). Cytogenetic location: 10p12.1.
Variant type: single nucleotide variant.
Coding change: c.804G>C on transcript NM_017433.5 (MANE Select); coding-DNA position 804, G replaced by C.
Protein change: p.Leu268Phe; replaces leucine 268 with phenylalanine.
Molecular consequence: missense variant.
Genome position (GRCh38, 1-based): chr10:26,026,383, G>C. VCF-style: chr10-26026383-G-C. GRCh37 (hg19) VCF-style: chr10-26315312-G-C.
Other names: short protein forms L268F.
Identifiers: ClinVar variation 1966269 (VCV001966269.5), dbSNP rs771755599, ClinGen allele CA5444463.
Genomic context (GRCh38, chr10:26,026,383, plus strand): 5'-AGTTTCAAAACTCTAACTTATCTAATAATTGCATGTTCTTTTTTGCCAGTGCAGGTGCTT[G>C]ACTAAAGATTATGAAAAGCGTCCAACAGTGTCAGAACTTTTACAGCATAAATTCATTACT-3'
Protein context (NP_059129.3, residues 258-278): AEFNDFISKC[Leu268Phe]TKDYEKRPTV

ClinVar aggregate classification (germline): Uncertain significance (1 of 4 stars; one submission).

Allele frequency attached by ClinVar (database versions not stated): gnomAD exomes below 0.00001; ExAC 0.00002.
gnomAD v4.1: 3 of 1,614,060 alleles (0.00019%); highest among the groups gnomAD compares: Non-Finnish European, 0.00017%; no homozygotes.

Submission:

Labcorp Genetics (formerly Invitae), Labcorp
Classification: Uncertain significance. Last evaluated: 2021-12-20. Review status: criteria provided, single submitter. Criteria: Invitae Variant Classification Sherloc (09022015). Collection method: clinical testing. Allele origin: germline.
Comment: This sequence change replaces leucine, which is neutral and non-polar, with phenylalanine, which is neutral and non-polar, at codon 268 of the MYO3A protein (p.Leu268Phe). This variant is present in population databases (rs771755599, gnomAD 0.002%). This variant has not been reported in the literature in individuals affected with MYO3A-related conditions. Algorithms developed to predict the effect of missense changes on protein structure and function are either unavailable or do not agree on the potential impact of this missense change (SIFT: "Deleterious"; PolyPhen-2: "Probably Damaging"; Align-GVGD: "Class C15"). In summary, the available evidence is currently insufficient to determine the role of this variant in disease. Therefore, it has been classified as a Variant of Uncertain Significance.